The following is an entry in ClinVar:

NM_001927.4(DES):c.822C>T (p.Leu274=)

Gene: DES (desmin; plus strand). Cytogenetic location: 2q35.
Variant type: single nucleotide variant.
Coding change: c.822C>T on transcript NM_001927.4 (MANE Select); coding-DNA position 822, C replaced by T.
Protein change: p.Leu274=; no amino-acid change (leucine 274 retained).
Molecular consequence: synonymous variant.
Genome position (GRCh38, 1-based): chr2:219,420,581, C>T. VCF-style: chr2-219420581-C-T. GRCh37 (hg19) VCF-style: chr2-220285303-C-T.
Other names: c.822C>T (LRG_380t1).
Identifiers: ClinVar variation 285097 (VCV000285097.18), dbSNP rs763599850, ClinGen allele CA2125160.

ClinVar aggregate classification (germline): Conflicting classifications of pathogenicity. Review status: criteria provided, conflicting classifications (1 of 4 stars). 4 submissions from 4 submitters: Uncertain significance (1); Likely benign (3). Last evaluated 2025-07-21.

Conditions:
Desmin-related myofibrillar myopathy (MFM1). Also called: Myofibrillar myopathy 1; Desminopathy; Desmin related myopathy (former name); Desmin storage myopathy (former name); MYOFIBRILLAR MYOPATHY WITH ARRHYTHMOGENIC RIGHT VENTRICULAR CARDIOMYOPATHY; DESMIN-RELATED MYOPATHY WITH ARRHYTHMOGENIC RIGHT VENTRICULAR CARDIOMYOPATHY. Identifiers: Orphanet 363543, Orphanet 98909, MedGen C1832370, MONDO:0011076, OMIM 601419.
DES-related disorder. Also called: DES-related condition.
Cardiovascular phenotype. Identifiers: MedGen CN230736.

Allele frequency attached by ClinVar (database versions not stated): ExAC 0.00001; gnomAD 0.00001; gnomAD exomes 0.00001 and below 0.00001; TOPMed 0.00001.
gnomAD v4.1: 4 of 1,613,894 alleles (0.00025%); highest among the groups gnomAD compares: African/African-American, 0.0027%; no homozygotes.

Submissions (4):

Labcorp Genetics (formerly Invitae), Labcorp
Classification: Likely benign for Desmin-related myofibrillar myopathy. Last evaluated: 2025-07-21. Review status: criteria provided, single submitter. Criteria: Invitae Variant Classification Sherloc (09022015). Collection method: clinical testing. Allele origin: germline.

PreventionGenetics, part of Exact Sciences
Classification: Likely benign for DES-related condition. Last evaluated: 2025-02-11. Review status: criteria provided, single submitter. Criteria: ACMG Guidelines, 2015. Collection method: clinical testing. Allele origin: germline.
Comment: This variant is classified as likely benign based on ACMG/AMP sequence variant interpretation guidelines (Richards et al. 2015 PMID: 25741868, with internal and published modifications).

Ambry Genetics
Classification: Likely benign for Cardiovascular phenotype. Last evaluated: 2019-05-30. Review status: criteria provided, single submitter. Criteria: Ambry Variant Classification Scheme 2023. Collection method: clinical testing. Allele origin: germline.

Eurofins Ntd Llc (ga)
Classification: Uncertain significance. Last evaluated: 2015-12-24. Review status: criteria provided, single submitter. Criteria: EGL Classification Definitions 2015. Collection method: clinical testing. Allele origin: germline. Observed: 1 variant allele, 1 heterozygote.